The following is an entry in ClinVar:

NM_005857.5(ZMPSTE24):c.1035A>G (p.Thr345=)

Gene: ZMPSTE24 (zinc metallopeptidase STE24; plus strand). Cytogenetic location: 1p34.2.
Variant type: single nucleotide variant.
Coding change: c.1035A>G on transcript NM_005857.5 (MANE Select); coding-DNA position 1035, A replaced by G.
Protein change: p.Thr345=; no amino-acid change (threonine 345 retained).
Molecular consequence: synonymous variant.
Genome position (GRCh38, 1-based): chr1:40,286,005, A>G. VCF-style: chr1-40286005-A-G. GRCh37 (hg19) VCF-style: chr1-40751677-A-G.
Other names: c.1035A>G (LRG_212t1).
Identifiers: ClinVar variation 140510 (VCV000140510.11), dbSNP rs116496835, ClinGen allele CA232719.

ClinVar aggregate classification (germline): Likely benign. Review status: criteria provided, single submitter (1 of 4 stars). 3 submissions from 3 submitters: Likely benign (1). 2 of the submissions do not count toward it. Last evaluated 2025-03-17.

Conditions:
ZMPSTE24-related disorder. Also called: ZMPSTE24-related condition; ZMPSTE24-related disorders. Identifiers: MedGen CN239425.

Allele frequency attached by ClinVar (database versions not stated): ExAC 0.00011; gnomAD exomes 0.00011; gnomAD 0.00024 and 0.00027; TOPMed 0.00027; ESP Exome Variant Server 0.00031; 1000 Genomes Project 30x 0.00094; 1000 Genomes Project 0.00120.
gnomAD v4.1: 85 of 1,613,986 alleles (0.0053%); highest among the groups gnomAD compares: African/African-American, 0.088%; no homozygotes.

Submissions (3):

Labcorp Genetics (formerly Invitae), Labcorp
Classification: Likely benign. Last evaluated: 2025-03-17. Review status: criteria provided, single submitter. Criteria: Invitae Variant Classification Sherloc (09022015). Collection method: clinical testing. Allele origin: germline.

PreventionGenetics, part of Exact Sciences
Classification: Likely benign for ZMPSTE24-related condition. Last evaluated: 2020-01-03. Review status: no assertion criteria provided. Collection method: clinical testing. Allele origin: germline. Not counted in ClinVar's aggregate classification.
Comment: This variant is classified as likely benign based on ACMG/AMP sequence variant interpretation guidelines (Richards et al. 2015 PMID: 25741868, with internal and published modifications).

ZMPSTE24 homepage - Leiden Muscular Dystrophy pages
No classification provided. Review status: no classification provided. Collection method: not provided. Allele origin: germline. Not counted in ClinVar's aggregate classification.
Comment: no known functional consequence